The following is an entry in ClinVar:

NM_001110556.2(FLNA):c.6568A>C (p.Ile2190Leu)

Gene: FLNA (filamin A; minus strand). Cytogenetic location: Xq28.
Variant type: single nucleotide variant.
Coding change: c.6568A>C on transcript NM_001110556.2 (MANE Select); coding-DNA position 6568, A replaced by C.
Protein change: p.Ile2190Leu; replaces isoleucine 2190 with leucine.
Molecular consequence: missense variant.
Genome position (GRCh38, 1-based): chrX:154,352,382, T>G on the plus strand (A>C on the coding strand, the complement: FLNA is on the minus strand). VCF-style: chrX-154352382-T-G. GRCh37 (hg19) VCF-style: chrX-153580750-T-G.
Other names: c.6544A>C, p.Ile2182Leu (NM_001456.4); short protein forms I2190L, I2182L.
Identifiers: ClinVar variation 664774 (VCV000664774.10), dbSNP rs1603359155, ClinGen allele CA415191073.
Genomic context (GRCh38, chrX:154,352,382, plus strand): 5'-GTGTGCCCATCTCAGCGGGAACAAAGCGGATGCAGTAGGTGTGGTTCTCCCCTTCCACGA[T>G]CTCGGCCTCATGGGTCTTGCCCGATGGGCTGGTCACCTGGGCTGTCATATCCTGGATGCT-3'
Protein context (NP_001104026.1, residues 2180-2200): SPSGKTHEAE[Ile2190Leu]VEGENHTYCI

ClinVar aggregate classification (germline): Uncertain significance (1 of 4 stars; one submission).

Conditions:
Frontometaphyseal dysplasia (FMD1). Identifiers: Orphanet 1826, MedGen C0265293, MONDO:0015942.
Oto-palato-digital syndrome, type II (OPD2). Also called: FACIOPALATOOSSEOUS SYNDROME; Otopalatodigital Syndrome, Type II; Otopalatodigital Syndrome Type 2 (FLNA-OPD2); OPD II SYNDROME. Identifiers: Orphanet 669, Orphanet 90652, MedGen C1844696, MONDO:0010571, OMIM 304120.
Heterotopia, periventricular, X-linked dominant (PVNH1). Also called: PERIVENTRICULAR NODULAR HETEROTOPIA 4; HETEROTOPIA, PERIVENTRICULAR, 1; PERIVENTRICULAR NODULAR HETEROTOPIA 1; X-linked periventricular heterotopia. Identifiers: Orphanet 2149, Orphanet 82004, MedGen C1848213, MONDO:0010233, OMIM 300049.
Melnick-Needles syndrome (MNS). Also called: Melnick-Needles Syndrome (FLNA-MNS); MELNICK-NEEDLES OSTEODYSPLASTY; OSTEODYSPLASTY OF MELNICK AND NEEDLES. Identifiers: Orphanet 2484, MedGen C0025237, MONDO:0010650, OMIM 309350.

Submission:

Labcorp Genetics (formerly Invitae), Labcorp
Classification: Uncertain significance for Oto-palato-digital syndrome, type II; Heterotopia, periventricular, X-linked dominant; Frontometaphyseal dysplasia; Melnick-Needles syndrome. Last evaluated: 2018-09-05. Review status: criteria provided, single submitter. Criteria: Invitae Variant Classification Sherloc (09022015). Collection method: clinical testing. Allele origin: germline.
Comment: In summary, the available evidence is currently insufficient to determine the role of this variant in disease. Therefore, it has been classified as a Variant of Uncertain Significance. This sequence change replaces isoleucine with leucine at codon 2182 of the FLNA protein (p.Ile2182Leu). The isoleucine residue is highly conserved and there is a small physicochemical difference between isoleucine and leucine. This variant is not present in population databases (ExAC no frequency). This variant has not been reported in the literature in individuals with FLNA-related disease. Algorithms developed to predict the effect of missense changes on protein structure and function are either unavailable or do not agree on the potential impact of this missense change (SIFT: "Deleterious"; PolyPhen-2: "Benign"; Align-GVGD: "Class C0").